The following is an entry in ClinVar:

ClinVar aggregate classification (germline): Uncertain significance (1 of 4 stars; one submission).

Conditions:
Inborn genetic diseases. Identifiers: MedGen C0950123, MeSH D030342.

Submission:

Ambry Genetics
Classification: Uncertain significance for Inborn genetic diseases. Last evaluated: 2026-08-23. Review status: criteria provided, single submitter. Criteria: Ambry Variant Classification Scheme 2023. Collection method: clinical testing. Allele origin: germline.
Comment: The p.H421Q variant (also known as c.1263C>A), located in coding exon 1 of the SAMD9 gene, results from a C to A substitution at nucleotide position 1263. The histidine at codon 421 is replaced by glutamine, an amino acid with highly similar properties. This amino acid position is conserved. In addition, this alteration is predicted to be tolerated by in silico analysis. Based on the available evidence, the clinical significance of this variant remains unclear.

NM_017654.4(SAMD9):c.1263C>A (p.His421Gln)

Gene: SAMD9 (sterile alpha motif domain containing 9; minus strand). Cytogenetic location: 7q21.2.
Variant type: single nucleotide variant.
Coding change: c.1263C>A on transcript NM_017654.4 (MANE Select); coding-DNA position 1263, C replaced by A.
Protein change: p.His421Gln; replaces histidine 421 with glutamine.
Molecular consequence: missense variant.
Genome position (GRCh38, 1-based): chr7:93,104,835, G>T on the plus strand (C>A on the coding strand, the complement: SAMD9 is on the minus strand). VCF-style: chr7-93104835-G-T. GRCh37 (hg19) VCF-style: chr7-92734148-G-T.
Other names: c.1263C>A, p.His421Gln (NM_001193307.2); short protein forms H421Q.
Identifiers: ClinVar variation 5028803 (VCV005028803.1).